The following is an entry in ClinVar:

NM_001458.5(FLNC):c.1985del (p.Pro662fs)

Gene: FLNC (filamin C; plus strand). Cytogenetic location: 7q32.1.
Variant type: Deletion.
Coding change: c.1985del on transcript NM_001458.5 (MANE Select); coding-DNA position 1985, one base deleted (C; older notation c.1985delC).
Protein change: p.Pro662fs; shifts the reading frame from proline 662.
Molecular consequence: frameshift variant.
Genome position (GRCh38, 1-based): chr7:128,841,341, C deleted; the last of 4 consecutive C bases (chr7:128,841,338-128,841,341); deleting any one gives the same sequence. VCF-style (leftmost placement, unchanged base first): chr7-128841337-GC-G. GRCh37 (hg19) VCF-style: chr7-128481391-GC-G.
Other names: c.1985del, p.Pro662fs (NM_001127487.2); short protein forms P662fs.
Identifiers: ClinVar variation 3775666 (VCV003775666.1).

ClinVar aggregate classification (germline): Likely pathogenic (1 of 4 stars; one submission).

Conditions:
Hypertrophic cardiomyopathy 26. Also called: Cardiomyopathy, familial hypertrophic, 26. Identifiers: Orphanet 75249, MedGen C4310749, MONDO:0014883, OMIM 617047.

Submission:

3billion
Classification: Likely pathogenic for Hypertrophic cardiomyopathy 26. Last evaluated: 2023-06-02. Review status: criteria provided, single submitter. Criteria: ACMG Guidelines, 2015. Collection method: clinical testing. Allele origin: germline. Affected: yes.
Comment: The variant is not observed in the gnomAD v2.1.1 dataset. Predicted Consequence/Location: Frameshift: predicted to result in a loss or disruption of normal protein function through nonsense-mediated decay (NMD) or protein truncation. Multiple pathogenic variants are reported downstream of the variant. Therefore, this variant is classified as Likely pathogenic according to the recommendation of ACMG/AMP guideline.